The following is an entry in ClinVar:

ClinVar aggregate classification (germline): Uncertain significance. Review status: criteria provided, multiple submitters, no conflicts (2 of 4 stars). 3 submissions from 3 submitters: Uncertain significance (3). Last evaluated 2026-09-24.

Conditions:
Cardiovascular phenotype. Identifiers: MedGen CN230736.
RASopathy. Also called: Noonan spectrum disorder; rasopathies. Identifiers: Orphanet 536391, MedGen C5555857, MONDO:0021060.

Allele frequency attached by ClinVar (database versions not stated): ExAC 0.00001; TOPMed 0.00002; gnomAD exomes 0.00001 and 0.00002.
gnomAD v4.1: 11 of 1,613,990 alleles (0.00068%); highest among the groups gnomAD compares: Admixed American, 0.01%; no homozygotes.

Submissions (3):

GeneDx
Classification: Uncertain significance. Last evaluated: 2026-09-24. Review status: criteria provided, single submitter. Criteria: GeneDx Variant Classification Process June 2021. Collection method: clinical testing. Allele origin: germline.
Comment: In silico analysis suggests that this missense variant does not alter protein structure/function; Has not been previously published as pathogenic or benign to our knowledge

Labcorp Genetics (formerly Invitae), Labcorp
Classification: Uncertain significance for RASopathy. Last evaluated: 2025-09-10. Review status: criteria provided, single submitter. Criteria: Invitae Variant Classification Sherloc (09022015). Collection method: clinical testing. Allele origin: germline.
Comment: This sequence change replaces isoleucine, which is neutral and non-polar, with valine, which is neutral and non-polar, at codon 545 of the SHOC2 protein (p.Ile545Val). This variant is present in population databases (rs778280516, gnomAD 0.01%). This variant has not been reported in the literature in individuals affected with SHOC2-related conditions. ClinVar contains an entry for this variant (Variation ID: 1497272). Invitae Evidence Modeling of protein sequence and biophysical properties (such as structural, functional, and spatial information, amino acid conservation, physicochemical variation, residue mobility, and thermodynamic stability) indicates that this missense variant is not expected to disrupt SHOC2 protein function with a negative predictive value of 80%. In summary, the available evidence is currently insufficient to determine the role of this variant in disease. Therefore, it has been classified as a Variant of Uncertain Significance.

Ambry Genetics
Classification: Uncertain significance for Cardiovascular phenotype. Last evaluated: 2021-05-19. Review status: criteria provided, single submitter. Criteria: Ambry Variant Classification Scheme 2023. Collection method: clinical testing. Allele origin: germline.

NM_007373.4(SHOC2):c.1633A>G (p.Ile545Val)

Gene: SHOC2 (SHOC2 leucine rich repeat scaffold protein; plus strand). Cytogenetic location: 10q25.2.
Variant type: single nucleotide variant.
Coding change: c.1633A>G on transcript NM_007373.4 (MANE Select); coding-DNA position 1633, A replaced by G.
Protein change: p.Ile545Val; replaces isoleucine 545 with valine.
Molecular consequence: missense variant. On other transcripts: non-coding transcript variant (1).
Genome position (GRCh38, 1-based): chr10:111,011,702, A>G. VCF-style: chr10-111011702-A-G. GRCh37 (hg19) VCF-style: chr10-112771460-A-G.
Other names: c.1495A>G, p.Ile499Val (NM_001269039.3); c.1633A>G, p.Ile545Val (NM_001324336.2, NM_001324337.2); c.1633A>G (NM_007373.3); short protein forms I499V, I545V.
Identifiers: ClinVar variation 1497272 (VCV001497272.9), dbSNP rs778280516, ClinGen allele CA5689824.